The following is an entry in ClinVar:

ClinVar aggregate classification (germline): Uncertain significance (1 of 4 stars; one submission).

Conditions:
Glycogen storage disease type III (GSD3). Also called: Cori disease; FORBES DISEASE. Identifiers: Orphanet 366, MedGen C0017922, MONDO:0009291, OMIM 232400.

Submission:

Labcorp Genetics (formerly Invitae), Labcorp
Classification: Uncertain significance for Glycogen storage disease type III. Last evaluated: 2022-10-17. Review status: criteria provided, single submitter. Criteria: Invitae Variant Classification Sherloc (09022015). Collection method: clinical testing. Allele origin: germline.
Comment: This sequence change replaces alanine, which is neutral and non-polar, with threonine, which is neutral and polar, at codon 856 of the AGL protein (p.Ala856Thr). This variant is not present in population databases (gnomAD no frequency). This variant has not been reported in the literature in individuals affected with AGL-related conditions. ClinVar contains an entry for this variant (Variation ID: 1405871). Advanced modeling of protein sequence and biophysical properties (such as structural, functional, and spatial information, amino acid conservation, physicochemical variation, residue mobility, and thermodynamic stability) performed at Invitae indicates that this missense variant is not expected to disrupt AGL protein function. In summary, the available evidence is currently insufficient to determine the role of this variant in disease. Therefore, it has been classified as a Variant of Uncertain Significance.

NM_000642.3(AGL):c.2566G>A (p.Ala856Thr)

Gene: AGL (amylo-alpha-1,6-glucosidase and 4-alpha-glucanotransferase; plus strand). Cytogenetic location: 1p21.2.
Variant type: single nucleotide variant.
Coding change: c.2566G>A on transcript NM_000642.3 (MANE Select); coding-DNA position 2566, G replaced by A.
Protein change: p.Ala856Thr; replaces alanine 856 with threonine.
Molecular consequence: missense variant.
Genome position (GRCh38, 1-based): chr1:99,884,588, G>A. VCF-style: chr1-99884588-G-A. GRCh37 (hg19) VCF-style: chr1-100350144-G-A.
Other names: c.2566G>A, p.Ala856Thr (NM_000028.3, NM_000643.3, NM_000644.3 and 2 more transcripts); c.2518G>A, p.Ala840Thr (NM_000646.3); c.2365G>A, p.Ala789Thr (NM_001425327.1); c.2362G>A, p.Ala788Thr (NM_001425328.1); c.2188G>A, p.Ala730Thr (NM_001425332.1); short protein forms A840T, A856T, A730T, A788T, A789T.
Identifiers: ClinVar variation 1405871 (VCV001405871.5), dbSNP rs2100769660, ClinGen allele CA341321576.